The following is an entry in ClinVar:

ClinVar aggregate classification (germline): Uncertain significance (1 of 4 stars; one submission).

Conditions:
Ataxia-telangiectasia syndrome (AT). Also called: Ataxia-telangiectasia, complementation group D; ATAXIA-TELANGIECTASIA, COMPLEMENTATION GROUP A; ATAXIA-TELANGIECTASIA, FRESNO VARIANT; Ataxia-telangiectasia; Ataxia-telangiectasia, complementation group E; LOUIS-BAR SYNDROME. Identifiers: Orphanet 100, MedGen C0004135, MONDO:0008840, OMIM 208900.

Allele frequency attached by ClinVar (database versions not stated): gnomAD exomes below 0.00001.
gnomAD v4.1: 1 of 1,614,058 alleles (0.000062%); highest among the groups gnomAD compares: East Asian, 0.0022%; no homozygotes.

Submission:

Labcorp Genetics (formerly Invitae), Labcorp
Classification: Uncertain significance for Ataxia-telangiectasia syndrome. Last evaluated: 2022-03-11. Review status: criteria provided, single submitter. Criteria: Invitae Variant Classification Sherloc (09022015). Collection method: clinical testing. Allele origin: germline.
Comment: In summary, the available evidence is currently insufficient to determine the role of this variant in disease. Therefore, it has been classified as a Variant of Uncertain Significance. Advanced modeling of protein sequence and biophysical properties (such as structural, functional, and spatial information, amino acid conservation, physicochemical variation, residue mobility, and thermodynamic stability) performed at Invitae indicates that this missense variant is not expected to disrupt ATM protein function. ClinVar contains an entry for this variant (Variation ID: 1034587). This variant has not been reported in the literature in individuals affected with ATM-related conditions. This variant is present in population databases (no rsID available, gnomAD 0.006%). This sequence change replaces glutamine, which is neutral and polar, with arginine, which is basic and polar, at codon 852 of the ATM protein (p.Gln852Arg).

NM_000051.4(ATM):c.2555A>G (p.Gln852Arg)

Gene: ATM (ATM serine/threonine kinase; plus strand). Cytogenetic location: 11q22.3.
Variant type: single nucleotide variant.
Coding change: c.2555A>G on transcript NM_000051.4 (MANE Select); coding-DNA position 2555, A replaced by G.
Protein change: p.Gln852Arg; replaces glutamine 852 with arginine.
Molecular consequence: missense variant.
Genome position (GRCh38, 1-based): chr11:108,267,259, A>G. VCF-style: chr11-108267259-A-G. GRCh37 (hg19) VCF-style: chr11-108137986-A-G.
Other names: c.2555A>G, p.Gln852Arg (NM_001351834.2); short protein forms Q852R.
Identifiers: ClinVar variation 1034587 (VCV001034587.8), dbSNP rs1265258461, ClinGen allele CA382543761.
Genomic context (GRCh38, chr11:108,267,259, plus strand): 5'-GTGGAGAAGTAGAATCAATGGAAGATGATACTAATGGAAATCTAATGGAGGTGGAGGATC[A>G]GTCATCCATGAATCTATTTAACGATTACCCTGATAGTAGTGTTAGTGATGCAAACGAACC-3'
Protein context (NP_000042.3, residues 842-862): TNGNLMEVED[Gln852Arg]SSMNLFNDYP